The following is an entry in ClinVar:

ClinVar aggregate classification (germline): Uncertain significance. Review status: criteria provided, multiple submitters, no conflicts (2 of 4 stars). 2 submissions from 2 submitters: Uncertain significance (2). Last evaluated 2025-04-11.

Conditions:
Epidermodysplasia verruciformis. Identifiers: Orphanet 302, MedGen C0014522, MONDO:0009176.
Inborn genetic diseases. Identifiers: MedGen C0950123, MeSH D030342.

Allele frequency attached by ClinVar (database versions not stated): ExAC 0.00001; gnomAD exomes 0.00001; TOPMed 0.00001; gnomAD 0.00003.
gnomAD v4.1: 16 of 1,614,122 alleles (0.00099%); highest among the groups gnomAD compares: Admixed American, 0.0067%; no homozygotes.

Submissions (2):

Ambry Genetics
Classification: Uncertain significance for Inborn genetic diseases. Last evaluated: 2025-04-11. Review status: criteria provided, single submitter. Criteria: Ambry Variant Classification Scheme 2023. Collection method: clinical testing. Allele origin: germline.

Labcorp Genetics (formerly Invitae), Labcorp
Classification: Uncertain significance for Epidermodysplasia verruciformis. Last evaluated: 2022-10-24. Review status: criteria provided, single submitter. Criteria: Invitae Variant Classification Sherloc (09022015). Collection method: clinical testing. Allele origin: germline.
Comment: In summary, the available evidence is currently insufficient to determine the role of this variant in disease. Therefore, it has been classified as a Variant of Uncertain Significance. Advanced modeling of protein sequence and biophysical properties (such as structural, functional, and spatial information, amino acid conservation, physicochemical variation, residue mobility, and thermodynamic stability) performed at Invitae indicates that this missense variant is not expected to disrupt TMC8 protein function. This variant has not been reported in the literature in individuals affected with TMC8-related conditions. This variant is present in population databases (rs540027573, gnomAD 0.009%). This sequence change replaces alanine, which is neutral and non-polar, with threonine, which is neutral and polar, at codon 316 of the TMC8 protein (p.Ala316Thr).

NM_152468.5(TMC8):c.946G>A (p.Ala316Thr)

Gene: TMC8 (transmembrane channel like 8; plus strand). Cytogenetic location: 17q25.3.
Variant type: single nucleotide variant.
Coding change: c.946G>A on transcript NM_152468.5 (MANE Select); coding-DNA position 946, G replaced by A.
Protein change: p.Ala316Thr; replaces alanine 316 with threonine.
Molecular consequence: missense variant.
Genome position (GRCh38, 1-based): chr17:78,134,523, G>A. VCF-style: chr17-78134523-G-A. GRCh37 (hg19) VCF-style: chr17-76130604-G-A.
Other names: short protein forms A316T.
Identifiers: ClinVar variation 1984256 (VCV001984256.5), dbSNP rs540027573, ClinGen allele CA8796666.